The following is an entry in ClinVar:

ClinVar aggregate classification (germline): Uncertain significance (1 of 4 stars; one submission).

gnomAD v4.1: 3 of 1,614,130 alleles (0.00019%); highest among the groups gnomAD compares: Non-Finnish European, 0.00025%; no homozygotes.

Submission:

Labcorp Genetics (formerly Invitae), Labcorp
Classification: Uncertain significance. Last evaluated: 2021-03-24. Review status: criteria provided, single submitter. Criteria: Invitae Variant Classification Sherloc (09022015). Collection method: clinical testing. Allele origin: germline.
Comment: In summary, the available evidence is currently insufficient to determine the role of this variant in disease. Therefore, it has been classified as a Variant of Uncertain Significance. Advanced modeling of protein sequence and biophysical properties (such as structural, functional, and spatial information, amino acid conservation, physicochemical variation, residue mobility, and thermodynamic stability) performed at Invitae indicates that this missense variant is not expected to disrupt RP1L1 protein function. This variant has not been reported in the literature in individuals with RP1L1-related conditions. This variant is not present in population databases (ExAC no frequency). This sequence change replaces proline with alanine at codon 162 of the RP1L1 protein (p.Pro162Ala). The proline residue is moderately conserved and there is a small physicochemical difference between proline and alanine.

NM_178857.6(RP1L1):c.484C>G (p.Pro162Ala)

Gene: RP1L1 (RP1 like 1). Cytogenetic location: 8p23.1.
Variant type: single nucleotide variant.
Coding change: c.484C>G on transcript NM_178857.6 (MANE Select); coding-DNA position 484, C replaced by G.
Protein change: p.Pro162Ala; replaces proline 162 with alanine.
Molecular consequence: missense variant.
Genome position (GRCh38, 1-based): chr8:10,622,718, G>C on the plus strand (C>G on the coding strand, the complement: RP1L1 is on the minus strand). VCF-style: chr8-10622718-G-C. GRCh37 (hg19) VCF-style: chr8-10480228-G-C.
Other names: short protein forms P162A.
Identifiers: ClinVar variation 1490466 (VCV001490466.8), dbSNP rs776563038, ClinGen allele CA370300026.
Genomic context (GRCh38, chr8:10,622,718, plus strand): 5'-GAAAGGCGGCCAGGTTCCTAGTATTCCTGTGACTGAGAACCACTGTCTGCTGGAGGCGAG[G>C]GTCCATGTTCTTAATCAGCAGTATCCTCCGGGGGGTTTTAAGACTCTTCCGGGAGGAGGA-3'
Protein context (NP_849188.4, residues 152-172): RRILLIKNMD[Pro162Ala]RLQQTVVLSH